The following is an entry in ClinVar:

NM_000414.4(HSD17B4):c.1078G>T (p.Asp360Tyr)

Gene: HSD17B4 (hydroxysteroid 17-beta dehydrogenase 4; plus strand). Cytogenetic location: 5q23.1.
Variant type: single nucleotide variant.
Coding change: c.1078G>T on transcript NM_000414.4 (MANE Select); coding-DNA position 1078, G replaced by T.
Protein change: p.Asp360Tyr; replaces aspartic acid 360 with tyrosine.
Molecular consequence: missense variant. On other transcripts: non-coding transcript variant (2).
Genome position (GRCh38, 1-based): chr5:119,499,422, G>T. VCF-style: chr5-119499422-G-T. GRCh37 (hg19) VCF-style: chr5-118835117-G-T.
Other names: c.1153G>T, p.Asp385Tyr (NM_001199291.3); c.1024G>T, p.Asp342Tyr (NM_001199292.2); c.1006G>T, p.Asp336Tyr (NM_001292027.2); c.658G>T, p.Asp220Tyr (NM_001292028.2); c.1069G>T, p.Asp357Tyr (NM_001374497.1); c.1078G>T, p.Asp360Tyr (NM_001374498.1); c.751G>T, p.Asp251Tyr (NM_001374499.1); c.637G>T, p.Asp213Tyr (NM_001374500.1); and 1 more; short protein forms D220Y, D223Y, D336Y, D385Y, D213Y, D251Y, D342Y, D357Y.
Identifiers: ClinVar variation 1388020 (VCV001388020.4), dbSNP rs2126781071, ClinGen allele CA360868071.

ClinVar aggregate classification (germline): Uncertain significance. Review status: criteria provided, multiple submitters, no conflicts (2 of 4 stars). 2 submissions from 2 submitters: Uncertain significance (2). Last evaluated 2024-05-23.

Conditions:
Perrault syndrome 1 (PRLTS1). Also called: OVARIAN DYSGENESIS WITH SENSORINEURAL DEAFNESS; GONADAL DYSGENESIS, XX TYPE, WITH DEAFNESS. Identifiers: Orphanet 2855, Orphanet 642945, MedGen C4551721, MONDO:0009300, OMIM 233400.
Bifunctional peroxisomal enzyme deficiency (DBIF). Also called: PBFE DEFICIENCY; D-bifunctional protein deficiency; DBP DEFICIENCY. Identifiers: Orphanet 300, MedGen C0342870, MONDO:0009855, OMIM 261515. Disease mechanism: loss of function.
Perrault syndrome. Also called: Gonadal dysgenesis with auditory dysfunction, autosomal recessive inheritance. Identifiers: Orphanet 2855, MedGen C0685838, MONDO:0017312.

Submissions (2):

Fulgent Genetics
Classification: Uncertain significance for Perrault syndrome 1; Bifunctional peroxisomal enzyme deficiency. Last evaluated: 2024-05-23. Review status: criteria provided, single submitter. Criteria: ACMG Guidelines, 2015. Collection method: clinical testing. Allele origin: germline.

Labcorp Genetics (formerly Invitae), Labcorp
Classification: Uncertain significance for Perrault syndrome; Bifunctional peroxisomal enzyme deficiency. Last evaluated: 2021-11-15. Review status: criteria provided, single submitter. Criteria: Invitae Variant Classification Sherloc (09022015). Collection method: clinical testing. Allele origin: germline.
Comment: This sequence change replaces aspartic acid, which is acidic and polar, with tyrosine, which is neutral and polar, at codon 360 of the HSD17B4 protein (p.Asp360Tyr). This variant is not present in population databases (gnomAD no frequency). This variant has not been reported in the literature in individuals affected with HSD17B4-related conditions. Advanced modeling of protein sequence and biophysical properties (such as structural, functional, and spatial information, amino acid conservation, physicochemical variation, residue mobility, and thermodynamic stability) performed at Invitae indicates that this missense variant is expected to disrupt HSD17B4 protein function. In summary, the available evidence is currently insufficient to determine the role of this variant in disease. Therefore, it has been classified as a Variant of Uncertain Significance.